The following is an entry in ClinVar:

NM_020719.3(PRR12):c.4809C>T (p.Ile1603=)

Gene: PRR12 (proline rich 12; plus strand). Cytogenetic location: 19q13.33.
Variant type: single nucleotide variant.
Coding change: c.4809C>T on transcript NM_020719.3 (MANE Select); coding-DNA position 4809, C replaced by T.
Protein change: p.Ile1603=; no amino-acid change (isoleucine 1603 retained).
Molecular consequence: synonymous variant.
Genome position (GRCh38, 1-based): chr19:49,614,568, C>T. VCF-style: chr19-49614568-C-T. GRCh37 (hg19) VCF-style: chr19-50117825-C-T.
Identifiers: ClinVar variation 3046612 (VCV003046612.2), dbSNP rs772549447, ClinGen allele CA9578574.

ClinVar aggregate classification (germline): Likely benign (0 of 4 stars; one submission).

Conditions:
PRR12-related disorder. Also called: PRR12-related condition.

Allele frequency attached by ClinVar (database versions not stated): gnomAD exomes 0.00005; TOPMed 0.00005; ExAC 0.00010; gnomAD 0.00013.
gnomAD v4.1: 50 of 1,558,886 alleles (0.0032%); highest among the groups gnomAD compares: Admixed American, 0.091%; no homozygotes.

Submission:

PreventionGenetics, part of Exact Sciences
Classification: Likely benign for PRR12-related condition. Last evaluated: 2021-01-05. Review status: no assertion criteria provided. Collection method: clinical testing. Allele origin: germline.
Comment: This variant is classified as likely benign based on ACMG/AMP sequence variant interpretation guidelines (Richards et al. 2015 PMID: 25741868, with internal and published modifications).